The following is an entry in ClinVar:

NM_024649.5(BBS1):c.1595G>A (p.Arg532Gln)

Genes: ZDHHC24 (zDHHC palmitoyltransferase 24; minus strand), BBS1 (Bardet-Biedl syndrome 1; plus strand). Cytogenetic location: 11q13.2.
Variant type: single nucleotide variant.
Coding change: c.1595G>A on transcript NM_024649.5 (MANE Select); coding-DNA position 1595, G replaced by A.
Protein change: p.Arg532Gln; replaces arginine 532 with glutamine.
Molecular consequence: missense variant. On other transcripts: intron variant (1).
Genome position (GRCh38, 1-based): chr11:66,531,015, G>A. VCF-style: chr11-66531015-G-A. GRCh37 (hg19) VCF-style: chr11-66298486-G-A.
Other names: c.560-1527C>T (NM_001348571.2); short protein forms R532Q.
Identifiers: ClinVar variation 285977 (VCV000285977.24), dbSNP rs142648652, ClinGen allele CA6123822.

ClinVar aggregate classification (germline): Conflicting classifications of pathogenicity. Review status: criteria provided, conflicting classifications (1 of 4 stars). 9 submissions from 9 submitters: Uncertain significance (8); Likely benign (1). Last evaluated 2026-03-10.

Conditions:
BBS1-related disorder. Also called: BBS1-related condition.
Inborn genetic diseases. Identifiers: MedGen C0950123, MeSH D030342.
Bardet-Biedl syndrome (BBS). Identifiers: Orphanet 110, MedGen C0752166, MONDO:0015229.
Bardet-Biedl syndrome 1 (BBS1). Identifiers: MedGen C2936862, MONDO:0008854, OMIM 209900. Disease mechanism: loss of function.

Allele frequency attached by ClinVar (database versions not stated): ExAC 0.00006; gnomAD 0.00006; TOPMed 0.00006; 1000 Genomes Project 30x 0.00016; ESP Exome Variant Server 0.00008; 1000 Genomes Project 0.00020.
gnomAD v4.1: 104 of 1,614,208 alleles (0.0064%); highest among the groups gnomAD compares: Admixed American, 0.038%; no homozygotes.

Submissions (9):

PreventionGenetics, part of Exact Sciences
Classification: Uncertain significance for BBS1-related condition. Last evaluated: 2026-03-10. Review status: criteria provided, single submitter. Criteria: ACMG Guidelines, 2015. Collection method: clinical testing. Allele origin: germline.
Comment: The BBS1 c.1595G>A variant is predicted to result in the amino acid substitution p.Arg532Gln. To our knowledge, this variant has not been reported in the literature. This variant is reported in 0.065% of alleles in individuals of Latino descent in gnomAD, which is likely too common to be a primary cause of disease. Although we suspect this variant may be benign, at this time, the clinical significance is uncertain due to the absence of conclusive functional and genetic evidence.

Labcorp Genetics (formerly Invitae), Labcorp
Classification: Likely benign for Bardet-Biedl syndrome. Last evaluated: 2025-12-31. Review status: criteria provided, single submitter. Criteria: Invitae Variant Classification Sherloc (09022015). Collection method: clinical testing. Allele origin: germline.

Blueprint Genetics
Classification: Uncertain significance. Last evaluated: 2024-11-21. Review status: criteria provided, single submitter. Criteria: ACMG Guidelines, 2015. Collection method: clinical testing. Allele origin: germline.

Ambry Genetics
Classification: Uncertain significance for Inborn genetic diseases. Last evaluated: 2024-11-10. Review status: criteria provided, single submitter. Criteria: Ambry Variant Classification Scheme 2023. Collection method: clinical testing. Allele origin: germline.

Fulgent Genetics
Classification: Uncertain significance for Bardet-Biedl syndrome 1. Last evaluated: 2024-05-28. Review status: criteria provided, single submitter. Criteria: ACMG Guidelines, 2015. Collection method: clinical testing. Allele origin: germline.

Revvity Omics, Revvity
Classification: Uncertain significance for Bardet-Biedl syndrome 1. Last evaluated: 2022-04-19. Review status: criteria provided, single submitter. Criteria: ACMG Guidelines, 2015. Collection method: clinical testing. Allele origin: germline.

Baylor Genetics
Classification: Uncertain significance for Bardet-Biedl syndrome 1. Last evaluated: 2019-06-28. Review status: criteria provided, single submitter. Criteria: ACMG Guidelines, 2015. Collection method: clinical testing. Allele origin: unknown. Affected: yes.
Comment: This variant was determined to be of uncertain significance according to ACMG Guidelines, 2015 [PMID:25741868].

Illumina Laboratory Services, Illumina
Classification: Uncertain significance for Bardet-Biedl syndrome 1. Last evaluated: 2018-01-12. Review status: criteria provided, single submitter. Criteria: ICSL Variant Classification Criteria 13 December 2019. Collection method: clinical testing. Allele origin: germline.

Eurofins Ntd Llc (ga)
Classification: Uncertain significance. Last evaluated: 2016-02-02. Review status: criteria provided, single submitter. Criteria: EGL Classification Definitions 2015. Collection method: clinical testing. Allele origin: germline. Observed: 1 variant allele, 1 heterozygote.